The following is an entry in ClinVar:

NM_153704.6(TMEM67):c.1234G>C (p.Ala412Pro)

Gene: TMEM67 (transmembrane protein 67; plus strand). Cytogenetic location: 8q22.1.
Variant type: single nucleotide variant.
Coding change: c.1234G>C on transcript NM_153704.6 (MANE Select); coding-DNA position 1234, G replaced by C.
Protein change: p.Ala412Pro; replaces alanine 412 with proline.
Molecular consequence: missense variant. On other transcripts: non-coding transcript variant (1).
Genome position (GRCh38, 1-based): chr8:93,785,324, G>C. VCF-style: chr8-93785324-G-C. GRCh37 (hg19) VCF-style: chr8-94797552-G-C.
Other names: c.991G>C, p.Ala331Pro (NM_001142301.1); short protein forms A331P, A412P.
Identifiers: ClinVar variation 3595971 (VCV003595971.2).

ClinVar aggregate classification (germline): Uncertain significance. Review status: criteria provided, multiple submitters, no conflicts (2 of 4 stars). 2 submissions from 2 submitters: Uncertain significance (2). Last evaluated 2024-11-20.

Conditions:
TMEM67-related disorder. Also called: TMEM67-related condition; TMEM67-related disorders. Identifiers: MedGen CN239423.
Nephronophthisis 11 (NPHP11). Identifiers: Orphanet 84081, MedGen C3150796, MONDO:0013302, OMIM 613550.
RHYNS syndrome. Also called: RETINITIS PIGMENTOSA SYNDROME; RETINITIS PIGMENTOSA, HYPOPITUITARISM, NEPHRONOPHTHISIS, AND MILD SKELETAL DYSPLASIA. Identifiers: Orphanet 140976, MedGen C1865794, MONDO:0011202, OMIM 602152.
COACH syndrome 1. Identifiers: Orphanet 1454, MedGen C5435651, MONDO:0800103, OMIM 216360, MONDO:0008996.
Joubert syndrome 6 (JBTS6). Identifiers: Orphanet 475, MedGen C1853153, MONDO:0012539, OMIM 610688.
Meckel syndrome, type 3 (MKS3). Also called: MECKEL-GRUBER SYNDROME, TYPE 3. Identifiers: Orphanet 564, MedGen C1846357, MONDO:0011821, OMIM 607361.
Bardet-Biedl syndrome 14 (BBS14). Identifiers: Orphanet 110, MedGen C2673874, MONDO:0014442, OMIM 615991.

gnomAD v4.1: 3 of 1,610,414 alleles (0.00019%); highest among the groups gnomAD compares: African/African-American, 0.004%; no homozygotes.

Submissions (2):

PreventionGenetics, part of Exact Sciences
Classification: Uncertain significance for TMEM67-related condition. Last evaluated: 2024-11-20. Review status: criteria provided, single submitter. Criteria: ACMG Guidelines, 2015. Collection method: clinical testing. Allele origin: germline.
Comment: The TMEM67 c.1234G>C variant is predicted to result in the amino acid substitution p.Ala412Pro. To our knowledge, this variant has not been reported in the literature or in a large population database (gnomAD), indicating this variant is rare. At this time, the clinical significance of this variant is uncertain due to the absence of conclusive functional and genetic evidence.

Fulgent Genetics
Classification: Uncertain significance for COACH syndrome 1; RHYNS syndrome; Meckel syndrome, type 3; Joubert syndrome 6; Nephronophthisis 11; Bardet-Biedl syndrome 14. Last evaluated: 2024-06-18. Review status: criteria provided, single submitter. Criteria: ACMG Guidelines, 2015. Collection method: clinical testing. Allele origin: germline.